The following is an entry in ClinVar:

ClinVar aggregate classification (germline): Uncertain significance. Review status: criteria provided, single submitter (1 of 4 stars). 2 submissions from 2 submitters: Uncertain significance (1). 1 of the submissions does not count toward it. Last evaluated 2025-08-30.

Conditions:
SH2B1-related disorder. Also called: SH2B1-related condition.

Allele frequency attached by ClinVar (database versions not stated): ExAC 0.00001; gnomAD exomes 0.00001; TOPMed 0.00002; gnomAD 0.00003; 1000 Genomes Project 30x 0.00016; 1000 Genomes Project 0.00020.
gnomAD v4.1: 14 of 1,580,472 alleles (0.00089%); highest among the groups gnomAD compares: African/African-American, 0.011%; no homozygotes.

Submissions (2):

Ambry Genetics
Classification: Uncertain significance. Last evaluated: 2025-08-30. Review status: criteria provided, single submitter. Criteria: Ambry Variant Classification Scheme 2023. Collection method: clinical testing. Allele origin: germline.

PreventionGenetics, part of Exact Sciences
Classification: Uncertain significance for SH2B1-related condition. Last evaluated: 2024-09-04. Review status: no assertion criteria provided. Collection method: clinical testing. Allele origin: germline. Not counted in ClinVar's aggregate classification.
Comment: The SH2B1 c.680G>A variant is predicted to result in the amino acid substitution p.Arg227His. To our knowledge, this variant has not been reported in the literature. This variant is reported in 0.016% of alleles in individuals of African descent in gnomAD. A different missense variant at this codon (p.Arg227Cys) was reported in two children with severe obesity (Flores et al. 2019. PubMed ID: 31439647). At this time, the clinical significance of the c.680G>A (p.Arg227His) variant is uncertain due to the absence of conclusive functional and genetic evidence.

NM_001387430.1(SH2B1):c.680G>A (p.Arg227His)

Gene: SH2B1 (SH2B adaptor protein 1; plus strand). Cytogenetic location: 16p11.2.
Variant type: single nucleotide variant.
Coding change: c.680G>A on transcript NM_001387430.1 (MANE Select); coding-DNA position 680, G replaced by A.
Protein change: p.Arg227His; replaces arginine 227 with histidine.
Molecular consequence: missense variant. On other transcripts: intron variant (1).
Genome position (GRCh38, 1-based): chr16:28,866,774, G>A. VCF-style: chr16-28866774-G-A. GRCh37 (hg19) VCF-style: chr16-28878095-G-A.
Other names: c.680G>A, p.Arg227His (NM_001145795.2, NM_001145796.2, NM_001145797.2 and 4 more transcripts); c.-26-600G>A (NM_001308294.2); short protein forms R227H.
Identifiers: ClinVar variation 2612066 (VCV002612066.4), dbSNP rs201621467, ClinGen allele CA7985983.